The following is an entry in ClinVar:

ClinVar aggregate classification (germline): Likely benign. Review status: criteria provided, multiple submitters, no conflicts (2 of 4 stars). 2 submissions from 2 submitters: Likely benign (2). Last evaluated 2018-06-16.

Allele frequency attached by ClinVar (database versions not stated): 1000 Genomes Project 0.01558; 1000 Genomes Project 30x 0.01593; gnomAD 0.01953 and 0.02026; TOPMed 0.01961.
gnomAD v4.1: 7,885 of 699,876 alleles (1.1%); highest among the groups gnomAD compares: African/African-American, 4.8%; 141 homozygotes.

Submissions (2):

GeneDx
Classification: Likely benign. Last evaluated: 2018-06-16. Review status: criteria provided, single submitter. Criteria: GeneDx Variant Classification (06012015). Collection method: clinical testing. Allele origin: germline. Affected: yes.
Comment: This variant is considered likely benign or benign based on one or more of the following criteria: it is a conservative change, it occurs at a poorly conserved position in the protein, it is predicted to be benign by multiple in silico algorithms, and/or has population frequency not consistent with disease.

Breakthrough Genomics
Classification: Likely benign. Review status: criteria provided, single submitter. Criteria: ACMG Guidelines, 2015. Collection method: not provided. Allele origin: germline. Inheritance: Autosomal recessive inheritance. Affected: yes.

NM_000289.6(PFKM):c.1191+125G>T

Gene: PFKM (phosphofructokinase, muscle; plus strand). Cytogenetic location: 12q13.11.
Variant type: single nucleotide variant.
Coding change: c.1191+125G>T on transcript NM_000289.6 (MANE Select); 125 bases into the intron after coding-DNA position 1191, G replaced by T.
Molecular consequence: intron variant.
Genome position (GRCh38, 1-based): chr12:48,140,037, G>T. VCF-style: chr12-48140037-G-T. GRCh37 (hg19) VCF-style: chr12-48533820-G-T.
Other names: c.1215+125G>T (NM_001354741.2); c.1191+125G>T (NM_001354742.2, NM_001354743.2, NM_001354744.2 and 2 more transcripts); c.1041+125G>T (NM_001354747.2, NM_001354748.2); c.1404+125G>T (NM_001166686.2, NM_001354737.1, NM_001354739.1 and 1 more transcripts); c.1500+125G>T (NM_001354736.1, NM_001354735.1); c.1335+125G>T (NM_001354740.1); c.1104+125G>T (NM_001354745.2); c.1065+125G>T (NM_001354746.2); and 1 more.
Identifiers: ClinVar variation 676758 (VCV000676758.2), dbSNP rs112653217, ClinGen allele CA236514228.